The following is an entry in ClinVar:

ClinVar aggregate classification (germline): Uncertain significance (1 of 4 stars; one submission).

Submission:

GeneDx
Classification: Uncertain significance. Last evaluated: 2024-12-10. Review status: criteria provided, single submitter. Criteria: GeneDx Variant Classification Process June 2021. Collection method: clinical testing. Allele origin: germline. Affected: yes.
Comment: Not observed at significant frequency in large population cohorts (gnomAD); In silico analysis indicates that this missense variant does not alter protein structure/function; Has not been previously published as pathogenic or benign to our knowledge

NM_001348716.2(KDM6B):c.1630C>T (p.Pro544Ser)

Gene: KDM6B (lysine demethylase 6B; plus strand). Cytogenetic location: 17p13.1.
Variant type: single nucleotide variant.
Coding change: c.1630C>T on transcript NM_001348716.2 (MANE Select); coding-DNA position 1630, C replaced by T.
Protein change: p.Pro544Ser; replaces proline 544 with serine.
Molecular consequence: missense variant.
Genome position (GRCh38, 1-based): chr17:7,847,918, C>T. VCF-style: chr17-7847918-C-T. GRCh37 (hg19) VCF-style: chr17-7751236-C-T.
Other names: c.1630C>T, p.Pro544Ser (NM_001080424.2); short protein forms P544S.
Identifiers: ClinVar variation 3903195 (VCV003903195.1).